The following is an entry in ClinVar:

ClinVar aggregate classification (germline): Uncertain significance (1 of 4 stars; one submission).

Conditions:
PLXNA1-related disorder. Also called: PLXNA1-related condition.

Submission:

PreventionGenetics, part of Exact Sciences
Classification: Uncertain significance for PLXNA1-related condition. Last evaluated: 2025-10-20. Review status: criteria provided, single submitter. Criteria: ACMG Guidelines, 2015. Collection method: clinical testing. Allele origin: germline.
Comment: The PLXNA1 c.1662G>C variant is predicted to result in the amino acid substitution p.Gln554His. To our knowledge, this variant has not been reported in the literature or in a large population database (gnomAD), indicating this variant is rare. At this time, the clinical significance of this variant is uncertain due to the absence of conclusive functional and genetic evidence.

NM_032242.4(PLXNA1):c.1662G>C (p.Gln554His)

Gene: PLXNA1 (plexin A1; plus strand). Cytogenetic location: 3q21.3.
Variant type: single nucleotide variant.
Coding change: c.1662G>C on transcript NM_032242.4 (MANE Select); coding-DNA position 1662, G replaced by C.
Protein change: p.Gln554His; replaces glutamine 554 with histidine.
Molecular consequence: missense variant.
Genome position (GRCh38, 1-based): chr3:127,004,927, G>C. VCF-style: chr3-127004927-G-C. GRCh37 (hg19) VCF-style: chr3-126723770-G-C.
Other names: short protein forms Q554H.
Identifiers: ClinVar variation 4993971 (VCV004993971.1).